The following is an entry in ClinVar:

NM_001130438.3(SPTAN1):c.3060C>T (p.Tyr1020=)

Gene: SPTAN1 (spectrin alpha, non-erythrocytic 1; plus strand). Cytogenetic location: 9q34.11.
Variant type: single nucleotide variant.
Coding change: c.3060C>T on transcript NM_001130438.3 (MANE Select); coding-DNA position 3060, C replaced by T.
Protein change: p.Tyr1020=; no amino-acid change (tyrosine 1020 retained).
Molecular consequence: synonymous variant.
Genome position (GRCh38, 1-based): chr9:128,591,530, C>T. VCF-style: chr9-128591530-C-T. GRCh37 (hg19) VCF-style: chr9-131353809-C-T.
Other names: c.3060C>T, p.Tyr1020= (NM_001195532.2, NM_001363759.2, NM_001363765.2 and 1 more transcripts).
Identifiers: ClinVar variation 289508 (VCV000289508.15), dbSNP rs530361602, ClinGen allele CA5264814.

ClinVar aggregate classification (germline): Conflicting classifications of pathogenicity. Review status: criteria provided, conflicting classifications (1 of 4 stars). 4 submissions from 4 submitters: Uncertain significance (2); Likely benign (2). Last evaluated 2023-09-29.

Conditions:
Early-infantile DEE. Also called: Ohtahara syndrome; Early infantile epileptic encephalopathy with suppression bursts; Early infantile epileptic encephalopathy. Identifiers: Orphanet 1934, MedGen C0393706, MONDO:0800491.
Developmental and epileptic encephalopathy, 5 (DEE5). Identifiers: Orphanet 3451, MedGen C3150731, MONDO:0013277, OMIM 613477.

Allele frequency attached by ClinVar (database versions not stated): ExAC 0.00001; gnomAD 0.00001 and 0.00002; gnomAD exomes 0.00001; TOPMed 0.00001; 1000 Genomes Project 0.00020; 1000 Genomes Project 30x 0.00031.
gnomAD v4.1: 18 of 1,614,118 alleles (0.0011%); highest among the groups gnomAD compares: South Asian, 0.011%; no homozygotes.

Submissions (4):

Labcorp Genetics (formerly Invitae), Labcorp
Classification: Likely benign for Early-infantile DEE. Last evaluated: 2023-09-29. Review status: criteria provided, single submitter. Criteria: Invitae Variant Classification Sherloc (09022015). Collection method: clinical testing. Allele origin: germline.

Genome-Nilou Lab
Classification: Uncertain significance for Developmental and epileptic encephalopathy, 5. Last evaluated: 2021-07-15. Review status: criteria provided, single submitter. Criteria: ACMG Guidelines, 2015. Collection method: clinical testing. Allele origin: germline. Affected: no.

GeneDx
Classification: Likely benign. Last evaluated: 2017-07-05. Review status: criteria provided, single submitter. Criteria: GeneDx Variant Classification (06012015). Collection method: clinical testing. Allele origin: germline. Affected: yes.
Comment: This variant is considered likely benign or benign based on one or more of the following criteria: it is a conservative change, it occurs at a poorly conserved position in the protein, it is predicted to be benign by multiple in silico algorithms, and/or has population frequency not consistent with disease.

Eurofins Ntd Llc (ga)
Classification: Uncertain significance. Last evaluated: 2016-08-08. Review status: criteria provided, single submitter. Criteria: EGL Classification Definitions 2015. Collection method: clinical testing. Allele origin: germline. Observed: 1 variant allele, 1 heterozygote.